The following is an entry in ClinVar:

NM_006306.4(SMC1A):c.371T>C (p.Leu124Ser)

Gene: SMC1A (structural maintenance of chromosomes 1A; minus strand). Cytogenetic location: Xp11.22.
Variant type: single nucleotide variant.
Coding change: c.371T>C on transcript NM_006306.4 (MANE Select); coding-DNA position 371, T replaced by C.
Protein change: p.Leu124Ser; replaces leucine 124 with serine.
Molecular consequence: missense variant.
Genome position (GRCh38, 1-based): chrX:53,414,798, A>G on the plus strand (T>C on the coding strand, the complement: SMC1A is on the minus strand). VCF-style: chrX-53414798-A-G. GRCh37 (hg19) VCF-style: chrX-53441747-A-G.
Other names: c.305T>C, p.Leu102Ser (NM_001281463.1); short protein forms L124S, L102S.
Identifiers: ClinVar variation 4737099 (VCV004737099.1).

ClinVar aggregate classification (germline): Uncertain significance (1 of 4 stars; one submission).

Conditions:
Congenital muscular hypertrophy-cerebral syndrome (CDLS2). Also called: Cornelia de Lange syndrome 2; SMC1A-Related Cornelia de Lange Syndrome. Identifiers: Orphanet 199, MedGen C1802395, MONDO:0010370, OMIM 300590.

gnomAD v4.1: 7 of 1,209,213 alleles (0.00058%); highest among the groups gnomAD compares: Non-Finnish European, 0.00078%; no homozygotes.

Submission:

Labcorp Genetics (formerly Invitae), Labcorp
Classification: Uncertain significance for Congenital muscular hypertrophy-cerebral syndrome. Last evaluated: 2025-05-30. Review status: criteria provided, single submitter. Criteria: Invitae Variant Classification Sherloc (09022015). Collection method: clinical testing. Allele origin: germline.
Comment: This sequence change replaces leucine, which is neutral and non-polar, with serine, which is neutral and polar, at codon 124 of the SMC1A protein (p.Leu124Ser). This variant is present in population databases (no rsID available, gnomAD 0.001%), including at least one homozygous and/or hemizygous individual. This variant has not been reported in the literature in individuals affected with SMC1A-related conditions. Invitae Evidence Modeling of protein sequence and biophysical properties (such as structural, functional, and spatial information, amino acid conservation, physicochemical variation, residue mobility, and thermodynamic stability) indicates that this missense variant is not expected to disrupt SMC1A protein function with a negative predictive value of 80%. In summary, the available evidence is currently insufficient to determine the role of this variant in disease. Therefore, it has been classified as a Variant of Uncertain Significance.